The following is an entry in ClinVar:

ClinVar aggregate classification (germline): Uncertain significance. Review status: criteria provided, multiple submitters, no conflicts (2 of 4 stars). 3 submissions from 3 submitters: Uncertain significance (3). Last evaluated 2026-08-17.

Conditions:
Inborn genetic diseases. Identifiers: MedGen C0950123, MeSH D030342.

gnomAD v4.1: 6 of 1,515,268 alleles (0.0004%); highest among the groups gnomAD compares: African/African-American, 0.0087%; no homozygotes.

Submissions (3):

Ambry Genetics
Classification: Uncertain significance for Inborn genetic diseases. Last evaluated: 2026-08-17. Review status: criteria provided, single submitter. Criteria: Ambry Variant Classification Scheme 2023. Collection method: clinical testing. Allele origin: germline.

Labcorp Genetics (formerly Invitae), Labcorp
Classification: Uncertain significance. Last evaluated: 2024-03-28. Review status: criteria provided, single submitter. Criteria: Invitae Variant Classification Sherloc (09022015). Collection method: clinical testing. Allele origin: germline.
Comment: This sequence change replaces glycine, which is neutral and non-polar, with glutamic acid, which is acidic and polar, at codon 69 of the C1QTNF5 protein (p.Gly69Glu). This variant is present in population databases (no rsID available, gnomAD 0.01%). This variant has not been reported in the literature in individuals affected with C1QTNF5-related conditions. An algorithm developed to predict the effect of missense changes on protein structure and function (PolyPhen-2) suggests that this variant is likely to be disruptive. In summary, the available evidence is currently insufficient to determine the role of this variant in disease. Therefore, it has been classified as a Variant of Uncertain Significance.

Blueprint Genetics
Classification: Uncertain significance. Last evaluated: 2019-09-27. Review status: criteria provided, single submitter. Criteria: ACMG Guidelines, 2015. Collection method: clinical testing. Allele origin: germline.

NM_001278431.2(C1QTNF5):c.206G>A (p.Gly69Glu)

Genes: C1QTNF5 (C1q and TNF related 5; minus strand), MFRP (membrane frizzled-related protein; minus strand). Cytogenetic location: 11q23.3.
Variant type: single nucleotide variant.
Coding change: c.206G>A on transcript NM_001278431.2 (MANE Select); coding-DNA position 206, G replaced by A.
Protein change: p.Gly69Glu; replaces glycine 69 with glutamic acid.
Molecular consequence: missense variant. On other transcripts: 3 prime UTR variant (1).
Genome position (GRCh38, 1-based): chr11:119,340,192, C>T on the plus strand (G>A on the coding strand, the complement: C1QTNF5 is on the minus strand). VCF-style: chr11-119340192-C-T. GRCh37 (hg19) VCF-style: chr11-119210902-C-T.
Other names: c.206G>A, p.Gly69Glu (NM_015645.5); c.*1102G>A (NM_031433.4); c.206G>A (NM_015645.3); short protein forms G69E.
Identifiers: ClinVar variation 3623505 (VCV003623505.4).
Genomic context (GRCh38, chr11:119,340,192, plus strand): 5'-GGCCGCGCCTGCTCGGACATCGCCACCGATAGCCGCGGCGGTGCCTTCTTACCCGGCCTC[C>T]CGCCCTCGCCTTTCTCTCCCGGAGCCCCGGGCGCGCCGTCGCGGCCGTCGCGGCCATCGC-3'
Protein context (NP_001265360.1, residues 59-79): PGAPGEKGEG[Gly69Glu]RPGLPGPRGD